The following is an entry in ClinVar:

ClinVar aggregate classification (germline): Uncertain significance (1 of 4 stars; one submission).

Conditions:
Inborn genetic diseases. Identifiers: MedGen C0950123, MeSH D030342.

gnomAD v4.1: 4 of 1,614,130 alleles (0.00025%); highest among the groups gnomAD compares: Non-Finnish European, 0.00034%; no homozygotes.

Submission:

Ambry Genetics
Classification: Uncertain significance for Inborn genetic diseases. Last evaluated: 2025-08-01. Review status: criteria provided, single submitter. Criteria: Ambry Variant Classification Scheme 2023. Collection method: clinical testing. Allele origin: germline.
Comment: The p.S829C variant (also known as c.2486C>G), located in coding exon 26 of the FANCA gene, results from a C to G substitution at nucleotide position 2486. The serine at codon 829 is replaced by cysteine, an amino acid with dissimilar properties. This amino acid position is conserved. In addition, the in silico prediction for this alteration is inconclusive. Based on the available evidence, the clinical significance of this variant remains unclear.

NM_000135.4(FANCA):c.2486C>G (p.Ser829Cys)

Gene: FANCA (FA complementation group A; minus strand). Cytogenetic location: 16q24.3.
Variant type: single nucleotide variant.
Coding change: c.2486C>G on transcript NM_000135.4 (MANE Select); coding-DNA position 2486, C replaced by G.
Protein change: p.Ser829Cys; replaces serine 829 with cysteine.
Molecular consequence: missense variant.
Genome position (GRCh38, 1-based): chr16:89,769,855, G>C on the plus strand (C>G on the coding strand, the complement: FANCA is on the minus strand). VCF-style: chr16-89769855-G-C. GRCh37 (hg19) VCF-style: chr16-89836263-G-C.
Other names: c.2486C>G, p.Ser829Cys (NM_001286167.3); short protein forms S829C.
Identifiers: ClinVar variation 4254243 (VCV004254243.1).